The following is an entry in ClinVar:

ClinVar aggregate classification (germline): Uncertain significance (1 of 4 stars; one submission).

Conditions:
Hereditary cancer-predisposing syndrome. Also called: Neoplastic Syndromes, Hereditary; Tumor predisposition; Hereditary Cancer Syndrome; Hereditary neoplastic syndrome. Identifiers: Orphanet 140162, MedGen C0027672, MeSH D009386, MONDO:0015356.

Submission:

Ambry Genetics
Classification: Uncertain significance for Hereditary cancer-predisposing syndrome. Last evaluated: 2026-03-25. Review status: criteria provided, single submitter. Criteria: Ambry Variant Classification Scheme 2023. Collection method: clinical testing. Allele origin: germline.
Comment: The c.6217_6220delAAAG variant, located in coding exon 45 of the POLE gene, results from a deletion of 4 nucleotides at nucleotide positions 6217 to 6220, causing a translational frameshift with a predicted alternate stop codon (p.K2073Sfs*49). This alteration is expected to result in loss of function by premature protein truncation or nonsense-mediated mRNA decay. Although biallelic loss of function of POLE has been associated with autosomal recessive POLE deficiency, haploinsufficiency of POLE has not been established as a mechanism of disease for POLE-related polymerase proofreading-associated polyposis (PPAP) and POLE-related CMMRD-like syndrome. Based on the supporting evidence, this variant is expected to be causative of POLE deficiency when present along with a second pathogenic variant on the other allele; however, its clinical significance for PPAP and POLE-related CMMRD-like syndrome is unclear.

NM_006231.4(POLE):c.6217_6220del (p.Lys2073fs)

Gene: POLE (DNA polymerase epsilon, catalytic subunit; minus strand). Cytogenetic location: 12q24.33.
Variant type: Deletion.
Coding change: c.6217_6220del on transcript NM_006231.4 (MANE Select); coding-DNA positions 6217 to 6220, 4 bases deleted (AAAG; older notation c.6217_6220delAAAG).
Protein change: p.Lys2073fs; shifts the reading frame from lysine 2073.
Molecular consequence: frameshift variant.
Genome position (GRCh38, 1-based): chr12:132,632,425-132,632,428, CTTT deleted on the plus strand (AAAG on the coding strand, the reverse complement: POLE is on the minus strand); deleting any 4 consecutive bases within chr12:132,632,425-132,632,431 gives the same sequence; the c. name uses the placement nearest the transcript's 3' end. VCF-style (leftmost placement, unchanged base first): chr12-132632424-ACTTT-A. GRCh37 (hg19) VCF-style: chr12-133209010-ACTTT-A.
Other names: short protein forms K2073fs.
Identifiers: ClinVar variation 4862253 (VCV004862253.1).